The following is an entry in ClinVar:

ClinVar aggregate classification (germline): Conflicting classifications of pathogenicity. Review status: criteria provided, conflicting classifications (1 of 4 stars). 3 submissions from 3 submitters: Uncertain significance (1); Likely benign (1). 1 of the submissions does not count toward it. Last evaluated 2025-12-28.

Conditions:
Tay-Sachs disease (TSD). Also called: HEXA Disorders; HEXA DEFICIENCY; Hexosaminidase A Deficiency; GM2 gangliosidosis, type 1; Hexosaminidase alpha-subunit deficiency (variant B); Sphingolipidosis, Tay-Sachs. Identifiers: Orphanet 845, MedGen C0039373, MONDO:0010100, OMIM 272800.

Allele frequency attached by ClinVar (database versions not stated): TOPMed 0.00001; gnomAD exomes 0.00002.
gnomAD v4.1: 30 of 1,611,786 alleles (0.0019%); highest among the groups gnomAD compares: Non-Finnish European, 0.0025%; no homozygotes.

Submissions (3):

Labcorp Genetics (formerly Invitae), Labcorp
Classification: Likely benign for Tay-Sachs disease. Last evaluated: 2025-12-28. Review status: criteria provided, single submitter. Criteria: Invitae Variant Classification Sherloc (09022015). Collection method: clinical testing. Allele origin: germline.

ARUP Laboratories, Molecular Genetics and Genomics, ARUP Laboratories
Classification: Uncertain significance. Last evaluated: 2020-12-21. Review status: criteria provided, single submitter. Criteria: ARUP Molecular Germline Variant Investigation Process 2021. Collection method: clinical testing. Allele origin: germline.
Comment: The HEXA c.1146+18A>G variant (rs1555472543) is reported in the literature in the heterozygous state in individuals with enzyme levels consistent with carrier status for Tay-Sachs disease (Martin 2007, Triggs-Raine 1995). This variant is also reported in ClinVar (Variation ID: 553551), but is absent from general population databases (Exome Variant Server, Genome Aggregation Database), indicating it is not a common polymorphism. This is an intronic variant in a weakly conserved nucleotide, and computational analyses (Alamut v.2.11) predict that this variant does not alter splicing. However, given the lack of clinical and functional data, the significance of the c.1146+18A>G variant is uncertain at this time. References: Martin DC et al. Evaluation of the risk for Tay-Sachs disease in individuals of French Canadian ancestry living in new England. Clin Chem. 2007 Mar;53(3):392-8. Triggs-Raine B et al. Mutational analyses of Tay-Sachs disease: studies on Tay-Sachs carriers of French Canadian background living in New England. Am J Hum Genet. 1995 Apr;56(4):870-9.

Counsyl
Classification: Uncertain significance for Tay-Sachs disease. Last evaluated: 2017-08-29. Review status: no assertion criteria provided. Collection method: clinical testing. Allele origin: unknown. Not counted in ClinVar's aggregate classification.

Literature cited by the submitters: PubMed 17259242 (cited by Counsyl); PubMed 7717398 (cited by Counsyl).

NM_000520.6(HEXA):c.1146+18A>G

Gene: HEXA (hexosaminidase subunit alpha; minus strand). Cytogenetic location: 15q23.
Variant type: single nucleotide variant.
Coding change: c.1146+18A>G on transcript NM_000520.6 (MANE Select); 18 bases into the intron after coding-DNA position 1146, A replaced by G.
Molecular consequence: intron variant.
Genome position (GRCh38, 1-based): chr15:72,347,668, T>C on the plus strand (A>G on the coding strand, the complement: HEXA is on the minus strand). VCF-style: chr15-72347668-T-C. GRCh37 (hg19) VCF-style: chr15-72640009-T-C.
Other names: c.1179+18A>G (NM_001318825.2).
Identifiers: ClinVar variation 553551 (VCV000553551.21), dbSNP rs1555472543, ClinGen allele CA658824864.